The following is an entry in ClinVar:

NM_000061.3(BTK):c.532G>A (p.Gly178Arg)

Gene: BTK (Bruton tyrosine kinase; minus strand). Cytogenetic location: Xq22.1.
Variant type: single nucleotide variant.
Coding change: c.532G>A on transcript NM_000061.3 (MANE Select); coding-DNA position 532, G replaced by A.
Protein change: p.Gly178Arg; replaces glycine 178 with arginine.
Molecular consequence: missense variant.
Genome position (GRCh38, 1-based): chrX:101,362,229, C>T on the plus strand (G>A on the coding strand, the complement: BTK is on the minus strand). VCF-style: chrX-101362229-C-T. GRCh37 (hg19) VCF-style: chrX-100617217-C-T.
Other names: c.634G>A, p.Gly212Arg (NM_001287344.2); c.532G>A, p.Gly178Arg (NM_001287345.2); short protein forms G178R, G212R.
Identifiers: ClinVar variation 2109229 (VCV002109229.4), dbSNP rs2147435190, ClinGen allele CA413934446.
Genomic context (GRCh38, chrX:101,362,229, plus strand): 5'-ATACCTGGTCCTCCTCAGGCGTTGGGGGAAGAGGCTTTTTTGTCTTCCGGTGAGAACTCC[C>T]AGGTTTTAAGCCTGCAAAACAAGAAGCCAGTGATGATATGGAATGCACTTTAGGAAAGGG-3'
Protein context (NP_000052.1, residues 168-188): LENRNGSLKP[Gly178Arg]SSHRKTKKPL

ClinVar aggregate classification (germline): Uncertain significance (1 of 4 stars; one submission).

Conditions:
X-linked agammaglobulinemia with growth hormone deficiency (IGHD3). Also called: HYPOGAMMAGLOBULINEMIA AND ISOLATED GROWTH HORMONE DEFICIENCY, X-LINKED; IGHD III; AGAMMAGLOBULINEMIA AND ISOLATED GROWTH HORMONE DEFICIENCY, X-LINKED; FLEISHER SYNDROME; ISOLATED GROWTH HORMONE DEFICIENCY, TYPE III, WITH AGAMMAGLOBULINEMIA; Isolated growth hormone deficiency type 3. Identifiers: Orphanet 231692, Orphanet 631, MedGen C0472813, MONDO:0010615, OMIM 307200.

Submission:

Labcorp Genetics (formerly Invitae), Labcorp
Classification: Uncertain significance for X-linked agammaglobulinemia with growth hormone deficiency. Last evaluated: 2022-03-11. Review status: criteria provided, single submitter. Criteria: Invitae Variant Classification Sherloc (09022015). Collection method: clinical testing. Allele origin: germline.
Comment: In summary, the available evidence is currently insufficient to determine the role of this variant in disease. Therefore, it has been classified as a Variant of Uncertain Significance. This sequence change replaces glycine, which is neutral and non-polar, with arginine, which is basic and polar, at codon 178 of the BTK protein (p.Gly178Arg). This variant is not present in population databases (gnomAD no frequency). This variant has not been reported in the literature in individuals affected with BTK-related conditions. Advanced modeling of protein sequence and biophysical properties (such as structural, functional, and spatial information, amino acid conservation, physicochemical variation, residue mobility, and thermodynamic stability) performed at Invitae indicates that this missense variant is not expected to disrupt BTK protein function.